The following is an entry in ClinVar:

NM_032383.5(HPS3):c.2995C>T (p.Arg999Ter)

Genes: CP (ceruloplasmin; minus strand), HPS3 (HPS3 biogenesis of lysosomal organelles complex 2 subunit 1; plus strand). Cytogenetic location: 3q24.
Variant type: single nucleotide variant.
Coding change: c.2995C>T on transcript NM_032383.5 (MANE Select); coding-DNA position 2995, C replaced by T.
Protein change: p.Arg999Ter; replaces arginine 999 with a stop codon.
Molecular consequence: nonsense.
Genome position (GRCh38, 1-based): chr3:149,172,202, C>T. VCF-style: chr3-149172202-C-T. GRCh37 (hg19) VCF-style: chr3-148889989-C-T.
Other names: c.2500C>T, p.Arg834Ter (NM_001308258.2); short protein forms R834*, R999*.
Identifiers: ClinVar variation 4796491 (VCV004796491.1).

ClinVar aggregate classification (germline): Likely pathogenic (1 of 4 stars; one submission).

Conditions:
Hermansky-Pudlak syndrome 3 (HPS3). Identifiers: Orphanet 231512, Orphanet 79430, MedGen C3888001, MONDO:0013555, OMIM 614072.

gnomAD v4.1: 6 of 1,613,056 alleles (0.00037%); highest among the groups gnomAD compares: East Asian, 0.0022%; no homozygotes.

Submission:

Genetics Department, University Hospital of Toulouse
Classification: Likely pathogenic for Hermansky-Pudlak syndrome 3. Last evaluated: 2025-10-05. Review status: criteria provided, single submitter. Criteria: ACMG Guidelines, 2015. Collection method: clinical testing. Allele origin: germline. Affected: yes. Observed: 2 variant alleles.
Comment: WGS did not identify any other variant in the gene.